The following is an entry in ClinVar:

ClinVar aggregate classification (germline): Likely benign (0 of 4 stars; one submission).

Conditions:
DNAH14-related disorder. Also called: DNAH14-related condition.

Allele frequency attached by ClinVar (database versions not stated): TOPMed 0.00001.
gnomAD v4.1: 12 of 1,547,794 alleles (0.00078%); highest among the groups gnomAD compares: Middle Eastern, 0.017%; no homozygotes.

Submission:

PreventionGenetics, part of Exact Sciences
Classification: Likely benign for DNAH14-related condition. Last evaluated: 2024-02-08. Review status: no assertion criteria provided. Collection method: clinical testing. Allele origin: germline.
Comment: This variant is classified as likely benign based on ACMG/AMP sequence variant interpretation guidelines (Richards et al. 2015 PMID: 25741868, with internal and published modifications).

NM_001367479.1(DNAH14):c.2028A>G (p.Arg676=)

Gene: DNAH14 (dynein axonemal heavy chain 14; plus strand). Cytogenetic location: 1q42.12.
Variant type: single nucleotide variant.
Coding change: c.2028A>G on transcript NM_001367479.1 (MANE Select); coding-DNA position 2028, A replaced by G.
Protein change: p.Arg676=; no amino-acid change (arginine 676 retained).
Molecular consequence: synonymous variant.
Genome position (GRCh38, 1-based): chr1:225,050,325, A>G. VCF-style: chr1-225050325-A-G. GRCh37 (hg19) VCF-style: chr1-225238027-A-G.
Other names: NM_001373.1:c.2028A>G.
Identifiers: ClinVar variation 3030715 (VCV003030715.2), dbSNP rs573987548, ClinGen allele CA39020083.